The following is an entry in ClinVar:

NM_024494.3(WNT2B):c.1172C>A (p.Thr391Asn)

Genes: ST7L (suppression of tumorigenicity 7 like; minus strand), WNT2B (Wnt family member 2B; plus strand). Cytogenetic location: 1p13.2.
Variant type: single nucleotide variant.
Coding change: c.1172C>A on transcript NM_024494.3 (MANE Select); coding-DNA position 1172, C replaced by A.
Protein change: p.Thr391Asn; replaces threonine 391 with asparagine.
Molecular consequence: missense variant.
Genome position (GRCh38, 1-based): chr1:112,520,505, C>A. VCF-style: chr1-112520505-C-A. GRCh37 (hg19) VCF-style: chr1-113063127-C-A.
Other names: c.896C>A, p.Thr299Asn (NM_001291880.1); c.1115C>A, p.Thr372Asn (NM_004185.4); short protein forms T299N, T391N, T372N.
Identifiers: ClinVar variation 2116080 (VCV002116080.4), dbSNP rs2526530130, ClinGen allele CA341656543.

ClinVar aggregate classification (germline): Uncertain significance (1 of 4 stars; one submission).

Submission:

Labcorp Genetics (formerly Invitae), Labcorp
Classification: Uncertain significance. Last evaluated: 2022-03-23. Review status: criteria provided, single submitter. Criteria: Invitae Variant Classification Sherloc (09022015). Collection method: clinical testing. Allele origin: germline.
Comment: In summary, the available evidence is currently insufficient to determine the role of this variant in disease. Therefore, it has been classified as a Variant of Uncertain Significance. Algorithms developed to predict the effect of missense changes on protein structure and function (SIFT, PolyPhen-2, Align-GVGD) all suggest that this variant is likely to be disruptive. This variant has not been reported in the literature in individuals affected with WNT2B-related conditions. This variant is not present in population databases (gnomAD no frequency). This sequence change replaces threonine, which is neutral and polar, with asparagine, which is neutral and polar, at codon 391 of the WNT2B protein (p.Thr391Asn).